The following is an entry in ClinVar:

NM_032043.3(BRIP1):c.93+5G>A

Gene: BRIP1 (BRCA1 interacting DNA helicase 1; minus strand). Cytogenetic location: 17q23.2.
Variant type: single nucleotide variant.
Coding change: c.93+5G>A on transcript NM_032043.3 (MANE Select); 5 bases into the intron after coding-DNA position 93, G replaced by A.
Molecular consequence: intron variant.
Genome position (GRCh38, 1-based): chr17:61,861,442, C>T on the plus strand (G>A on the coding strand, the complement: BRIP1 is on the minus strand). VCF-style: chr17-61861442-C-T. GRCh37 (hg19) VCF-style: chr17-59938803-C-T.
Identifiers: ClinVar variation 230983 (VCV000230983.21), dbSNP rs730881629, ClinGen allele CA10580895.

ClinVar aggregate classification (germline): Conflicting classifications of pathogenicity. Review status: criteria provided, conflicting classifications (1 of 4 stars). 6 submissions from 6 submitters: Likely pathogenic (2); Uncertain significance (4). Last evaluated 2026-05-27.

Conditions:
Familial ovarian cancer. Identifiers: MedGen C5679802, MONDO:0016248.
Hereditary cancer-predisposing syndrome. Also called: Hereditary neoplastic syndrome; Neoplastic Syndromes, Hereditary; Hereditary Cancer Syndrome; Tumor predisposition. Identifiers: Orphanet 140162, MedGen C0027672, MeSH D009386, MONDO:0015356.
Familial cancer of breast. Also called: hereditary breast carcinoma; BREAST CANCER, FAMILIAL; Hereditary breast cancer. Identifiers: Orphanet 227535, MedGen C0346153, MONDO:0016419, OMIM 114480. Disease mechanism: loss of function.
Fanconi anemia complementation group J. Also called: BRIP1-Related Fanconi Anemia. Identifiers: Orphanet 84, MedGen C1836860, MONDO:0012187, OMIM 609054.

Allele frequency attached by ClinVar (database versions not stated): gnomAD exomes below 0.00001.
gnomAD v4.1: 1 of 1,597,476 alleles (0.000063%); highest among the groups gnomAD compares: Non-Finnish European, 0.000086%; no homozygotes.

Submissions (6):

Myriad Genetics, Inc.
Classification: Likely pathogenic for Familial ovarian cancer. Last evaluated: 2026-05-27. Review status: criteria provided, single submitter. Criteria: Myriad Autosomal Dominant, Autosomal Recessive and X-Linked Classification Criteria (2023). Collection method: clinical testing. Allele origin: unknown.
Comment: This variant is considered likely pathogenic. mRNA analysis has demonstrated abnormal mRNA splicing occurs [Myriad internal data].

Labcorp Genetics (formerly Invitae), Labcorp
Classification: Uncertain significance for Familial cancer of breast; Fanconi anemia complementation group J. Last evaluated: 2025-10-23. Review status: criteria provided, single submitter. Criteria: Invitae Variant Classification Sherloc (09022015). Collection method: clinical testing. Allele origin: germline.
Comment: This sequence change falls in intron 2 of the BRIP1 gene. It does not directly change the encoded amino acid sequence of the BRIP1 protein. RNA analysis indicates that this variant induces altered splicing and is likely to result in the loss of the initiator methionine. This variant is not present in population databases (gnomAD no frequency). This variant has not been reported in the literature in individuals affected with BRIP1-related conditions. ClinVar contains an entry for this variant (Variation ID: 230983). Variants that disrupt the consensus splice site are a relatively common cause of aberrant splicing (PMID: 17576681, 9536098). Studies have shown that this variant results in skipping of exon 2, and is expected to result in the loss of the initiator methionine (internal data). In summary, the available evidence is currently insufficient to determine the role of this variant in disease. Therefore, it has been classified as a Variant of Uncertain Significance.

Ambry Genetics
Classification: Likely pathogenic for Hereditary cancer-predisposing syndrome. Last evaluated: 2024-12-04. Review status: criteria provided, single submitter. Criteria: Ambry Variant Classification Scheme 2023. Collection method: clinical testing. Allele origin: germline.
Comment: The c.93+5G>A intronic variant results from a G to A substitution 5 nucleotides after coding exon 1 in the BRIP1 gene. This nucleotide position is highly conserved in available vertebrate species. In silico splice site analysis predicts that this alteration will weaken the native splice donor site. RNA studies have demonstrated that this alteration results in abnormal splicing in the set of samples tested (Ambry internal data). This variant is considered to be rare based on population cohorts in the Genome Aggregation Database (gnomAD). Based on the majority of available evidence to date, this variant is likely to be pathogenic.

Baylor Genetics
Classification: Uncertain significance for Familial cancer of breast. Last evaluated: 2023-03-28. Review status: criteria provided, single submitter. Criteria: ACMG Guidelines, 2015. Collection method: clinical testing. Allele origin: unknown.

MGZ Medical Genetics Center
Classification: Uncertain significance for Familial cancer of breast. Last evaluated: 2021-08-30. Review status: criteria provided, single submitter. Criteria: ACMG Guidelines, 2015. Collection method: clinical testing. Allele origin: germline. Affected: yes. Observed: 1 variant allele.
Comment: ACMG criteria applied: PM2_SUP, PP3

Color Diagnostics, LLC DBA Color Health
Classification: Uncertain significance for Hereditary cancer-predisposing syndrome. Last evaluated: 2020-06-08. Review status: criteria provided, single submitter. Criteria: ACMG Guidelines, 2015. Collection method: clinical testing. Allele origin: germline.
Comment: This variant causes a G to A nucleotide substitution at the +5 position of intron 2 of the BRIP1 gene. Splice site prediction tools predict that this variant may have a significant impact on RNA splicing. This prediction has not been confirmed in published RNA studies. This variant has not been reported in individuals affected with hereditary cancer in the literature. This variant has not been identified in the general population by the Genome Aggregation Database (gnomAD). The available evidence is insufficient to determine the role of this variant in disease conclusively. Therefore, this variant is classified as a Variant of Uncertain Significance.

Literature cited by the submitters: PubMed 17576681 (cited by Labcorp Genetics (formerly Invitae), Labcorp); PubMed 9536098 (cited by Labcorp Genetics (formerly Invitae), Labcorp).